The following is an entry in ClinVar:

ClinVar aggregate classification (germline): Uncertain significance (1 of 4 stars; one submission).

Conditions:
Inborn genetic diseases. Identifiers: MedGen C0950123, MeSH D030342.

gnomAD v4.1: 2 of 1,613,586 alleles (0.00012%); highest among the groups gnomAD compares: Non-Finnish European, 0.00017%; no homozygotes.

Submission:

Ambry Genetics
Classification: Uncertain significance for Inborn genetic diseases. Last evaluated: 2025-07-12. Review status: criteria provided, single submitter. Criteria: Ambry Variant Classification Scheme 2023. Collection method: clinical testing. Allele origin: germline.
Comment: The p.D132G variant (also known as c.395A>G), located in coding exon 2 of the SERPING1 gene, results from an A to G substitution at nucleotide position 395. The aspartic acid at codon 132 is replaced by glycine, an amino acid with similar properties. This amino acid position is conserved. In addition, this alteration is predicted to be tolerated by in silico analysis. Based on the available evidence, the clinical significance of this variant remains unclear.

NM_000062.3(SERPING1):c.395A>G (p.Asp132Gly)

Gene: SERPING1 (serpin family G member 1; plus strand). Cytogenetic location: 11q12.1.
Variant type: single nucleotide variant.
Coding change: c.395A>G on transcript NM_000062.3 (MANE Select); coding-DNA position 395, A replaced by G.
Protein change: p.Asp132Gly; replaces aspartic acid 132 with glycine.
Molecular consequence: missense variant.
Genome position (GRCh38, 1-based): chr11:57,600,222, A>G. VCF-style: chr11-57600222-A-G. GRCh37 (hg19) VCF-style: chr11-57367695-A-G.
Other names: c.395A>G, p.Asp132Gly (NM_001032295.2); short protein forms D132G.
Identifiers: ClinVar variation 4162995 (VCV004162995.1).
Genomic context (GRCh38, chr11:57,600,222, plus strand): 5'-ATTCTCCTACCCAGCCCACTACTGGGTCCTTCTGCCCAGGACCTGTTACTCTCTGCTCTG[A>G]CTTGGAGAGTCATTCAACAGAGGCCGTGTTGGGGGATGCTTTGGTAGATTTCTCCCTGAA-3'
Protein context (NP_000053.2, residues 122-142): FCPGPVTLCS[Asp132Gly]LESHSTEAVL